The following is an entry in ClinVar:

ClinVar aggregate classification (germline): Uncertain significance (1 of 4 stars; one submission).

gnomAD v4.1: 1 of 1,613,428 alleles (0.000062%); highest among the groups gnomAD compares: Non-Finnish European, 0.000085%; no homozygotes.

Submission:

Ambry Genetics
Classification: Uncertain significance. Last evaluated: 2024-10-12. Review status: criteria provided, single submitter. Criteria: Ambry Variant Classification Scheme 2023. Collection method: clinical testing. Allele origin: germline.
Comment: The p.M589V variant (also known as c.1765A>G), located in coding exon 13 of the NPAT gene, results from an A to G substitution at nucleotide position 1765. The methionine at codon 589 is replaced by valine, an amino acid with highly similar properties. This amino acid position is conserved. In addition, this alteration is predicted to be tolerated by in silico analysis. Based on the available evidence, the clinical significance of this variant remains unclear.

NM_002519.3(NPAT):c.1765A>G (p.Met589Val)

Gene: NPAT (nuclear protein, coactivator of histone transcription; minus strand). Cytogenetic location: 11q22.3.
Variant type: single nucleotide variant.
Coding change: c.1765A>G on transcript NM_002519.3 (MANE Select); coding-DNA position 1765, A replaced by G.
Protein change: p.Met589Val; replaces methionine 589 with valine.
Molecular consequence: missense variant.
Genome position (GRCh38, 1-based): chr11:108,173,219, T>C on the plus strand (A>G on the coding strand, the complement: NPAT is on the minus strand). VCF-style: chr11-108173219-T-C. GRCh37 (hg19) VCF-style: chr11-108043946-T-C.
Other names: c.1765A>G, p.Met589Val (NM_001321307.1); short protein forms M589V.
Identifiers: ClinVar variation 3407147 (VCV003407147.1).